The following is an entry in ClinVar:

ClinVar aggregate classification (germline): Uncertain significance (1 of 4 stars; one submission).

Conditions:
Hereditary cancer-predisposing syndrome. Also called: Hereditary Cancer Syndrome; Neoplastic Syndromes, Hereditary; Tumor predisposition; Hereditary neoplastic syndrome. Identifiers: Orphanet 140162, MedGen C0027672, MeSH D009386, MONDO:0015356.

Allele frequency attached by ClinVar (database versions not stated): TOPMed below 0.00001.

Submission:

Ambry Genetics
Classification: Uncertain significance for Hereditary cancer-predisposing syndrome. Last evaluated: 2022-03-17. Review status: criteria provided, single submitter. Criteria: Ambry Variant Classification Scheme 2023. Collection method: clinical testing. Allele origin: germline.
Comment: The p.S160I variant (also known as c.479G>T), located in coding exon 5 of the MAX gene, results from a G to T substitution at nucleotide position 479. The serine at codon 160 is replaced by isoleucine, an amino acid with dissimilar properties. This amino acid position is conserved. In addition, this alteration is predicted to be tolerated by in silico analysis. Since supporting evidence is limited at this time, the clinical significance of this alteration remains unclear.

NM_002382.5(MAX):c.479G>T (p.Ser160Ile)

Gene: MAX (MYC associated transcriptional regulator X; minus strand). Cytogenetic location: 14q23.3.
Variant type: single nucleotide variant.
Coding change: c.479G>T on transcript NM_002382.5 (MANE Select); coding-DNA position 479, G replaced by T.
Protein change: p.Ser160Ile; replaces serine 160 with isoleucine.
Molecular consequence: missense variant. On other transcripts: 3 prime UTR variant (1), intron variant (2).
Genome position (GRCh38, 1-based): chr14:65,076,480, C>A on the plus strand (G>T on the coding strand, the complement: MAX is on the minus strand). VCF-style: chr14-65076480-C-A. GRCh37 (hg19) VCF-style: chr14-65543198-C-A.
Other names: c.290G>T, p.Ser97Ile (NM_001320415.2, NM_001407105.1, NM_001407106.1 and 1 more transcripts); c.479G>T, p.Ser160Ile (NM_001407094.1); c.452G>T, p.Ser151Ile (NM_001407095.1, NM_145112.3); c.*252G>T (NM_001407096.1, NM_001407099.1, NM_001407102.1 and 2 more transcripts); c.*268G>T (NM_001407097.1, NM_001407100.1, NM_001407101.1 and 4 more transcripts); c.371G>T, p.Ser124Ile (NM_001407098.1); c.278G>T, p.Ser93Ile (NM_001407111.1, NM_001407112.1); c.144+17228G>T (NM_001271069.2); and 1 more; short protein forms S93I, S160I, S97I, S124I, S151I.
Identifiers: ClinVar variation 1743165 (VCV001743165.2), dbSNP rs2063058337, ClinGen allele CA390031036.